The following is an entry in ClinVar:

ClinVar aggregate classification (germline): Uncertain significance (1 of 4 stars; one submission).

Conditions:
RASopathy. Also called: Noonan spectrum disorder; rasopathies. Identifiers: Orphanet 536391, MedGen C5555857, MONDO:0021060.

Submission:

Labcorp Genetics (formerly Invitae), Labcorp
Classification: Uncertain significance for RASopathy. Last evaluated: 2024-11-19. Review status: criteria provided, single submitter. Criteria: Invitae Variant Classification Sherloc (09022015). Collection method: clinical testing. Allele origin: germline.
Comment: This sequence change replaces arginine, which is basic and polar, with lysine, which is basic and polar, at codon 1221 of the SOS1 protein (p.Arg1221Lys). This variant is not present in population databases (gnomAD no frequency). This variant has not been reported in the literature in individuals affected with SOS1-related conditions. Invitae Evidence Modeling of protein sequence and biophysical properties (such as structural, functional, and spatial information, amino acid conservation, physicochemical variation, residue mobility, and thermodynamic stability) indicates that this missense variant is not expected to disrupt SOS1 protein function with a negative predictive value of 95%. In summary, the available evidence is currently insufficient to determine the role of this variant in disease. Therefore, it has been classified as a Variant of Uncertain Significance.

NM_005633.4(SOS1):c.3662G>A (p.Arg1221Lys)

Gene: SOS1 (SOS Ras/Rac guanine nucleotide exchange factor 1; minus strand). Cytogenetic location: 2p22.1.
Variant type: single nucleotide variant.
Coding change: c.3662G>A on transcript NM_005633.4 (MANE Select); coding-DNA position 3662, G replaced by A.
Protein change: p.Arg1221Lys; replaces arginine 1221 with lysine.
Molecular consequence: missense variant.
Genome position (GRCh38, 1-based): chr2:38,986,164, C>T on the plus strand (G>A on the coding strand, the complement: SOS1 is on the minus strand). VCF-style: chr2-38986164-C-T. GRCh37 (hg19) VCF-style: chr2-39213305-C-T.
Other names: c.3641G>A, p.Arg1214Lys (NM_001382394.1); c.3617G>A, p.Arg1206Lys (NM_001382395.1); short protein forms R1221K, R1214K, R1206K.
Identifiers: ClinVar variation 3720387 (VCV003720387.2).